The following is an entry in ClinVar:

NM_001103.4(ACTN2):c.1657-6G>A

Gene: ACTN2 (actinin alpha 2; plus strand). Cytogenetic location: 1q43.
Variant type: single nucleotide variant.
Coding change: c.1657-6G>A on transcript NM_001103.4 (MANE Select); 6 bases into the intron before coding-DNA position 1657, G replaced by A.
Molecular consequence: intron variant.
Genome position (GRCh38, 1-based): chr1:236,751,464, G>A. VCF-style: chr1-236751464-G-A. GRCh37 (hg19) VCF-style: chr1-236914764-G-A.
Other names: c.1033-6G>A (NM_001278344.2); c.1657-6G>A (NM_001278343.2).
Identifiers: ClinVar variation 1316043 (VCV001316043.7), dbSNP rs1328857189, ClinGen allele CA529912342.
Genomic context (GRCh38, chr1:236,751,464, plus strand): 5'-ATATCAAAGCCTTTGAAATTAACACTCAAGCCACATTGTTTTTCTCCACTTGTGTCTCGG[G>A]TGTAGAGTCTGATCACTGCGCATGAGCAGTTCAAGGCCACGCTGCCCGAGGCGGACGGAG-3'

ClinVar aggregate classification (germline): Conflicting classifications of pathogenicity. Review status: criteria provided, conflicting classifications (1 of 4 stars). 2 submissions from 2 submitters: Uncertain significance (1); Likely benign (1). Last evaluated 2024-01-31.

Conditions:
Primary familial hypertrophic cardiomyopathy (HCM). Identifiers: Orphanet 99739, MedGen C0949658, MeSH D024741, MONDO:0024573. Inheritance: Various modes of inheritance.
Dilated cardiomyopathy 1AA (CMD1AA). Also called: CARDIOMYOPATHY, DILATED, 1AA, WITH OR WITHOUT LEFT VENTRICULAR NONCOMPACTION; CARDIOMYOPATHY, FAMILIAL HYPERTROPHIC, 23, WITH OR WITHOUT LEFT VENTRICULAR NONCOMPACTION; Cardiomyopathy, dilated, 1AA, with or without LVNC. Identifiers: Orphanet 154, MedGen C2677338, MONDO:0012808, OMIM 612158.

Allele frequency attached by ClinVar (database versions not stated): gnomAD exomes below 0.00001.
gnomAD v4.1: 4 of 1,614,000 alleles (0.00025%); highest among the groups gnomAD compares: Non-Finnish European, 0.00034%; no homozygotes.

Submissions (2):

Labcorp Genetics (formerly Invitae), Labcorp
Classification: Likely benign for Primary familial hypertrophic cardiomyopathy; Dilated cardiomyopathy 1AA. Last evaluated: 2024-01-31. Review status: criteria provided, single submitter. Criteria: Invitae Variant Classification Sherloc (09022015). Collection method: clinical testing. Allele origin: germline.

GeneDx
Classification: Uncertain significance. Last evaluated: 2019-12-18. Review status: criteria provided, single submitter. Criteria: GeneDx Variant Classification Process June 2021. Collection method: clinical testing. Allele origin: germline. Affected: yes.
Comment: Has not been previously published as pathogenic or benign to our knowledge; Not observed at a significant frequency in large population cohorts (Lek et al., 2016); In-silico analysis, which includes splice predictors and evolutionary conservation, is inconclusive as to whether the variant alters gene splicing; in the absence of RNA/functional studies, the actual effect of this sequence change is unknown